The following is an entry in ClinVar:

NM_025152.3(NUBPL):c.143GAA[1] (p.Arg49del)

Gene: NUBPL (NUBP iron-sulfur cluster assembly factor, mitochondrial; plus strand). Cytogenetic location: 14q12.
Variant type: Microsatellite.
Coding change: c.143GAA[1] on transcript NM_025152.3 (MANE Select); one copy of the 3-base unit GAA starting at c.143; the reference has two copies in a row; one copy, 3 bases deleted.
Protein change: p.Arg49del; deletes arginine 49.
Molecular consequence: inframe deletion. On other transcripts: non-coding transcript variant (1).
Genome position (GRCh38, 1-based): chr14:31,562,105-31,562,107, GAA deleted; deleting any 3 consecutive bases within chr14:31,562,100-31,562,107 gives the same sequence; the position shown is the placement nearest the transcript's 3' end. VCF-style (leftmost placement, unchanged base first): chr14-31562099-AAAG-A. GRCh37 (hg19) VCF-style: chr14-32031305-AAAG-A.
Other names: short protein forms R49del.
Identifiers: ClinVar variation 3573808 (VCV003573808.2).

ClinVar aggregate classification (germline): Uncertain significance (1 of 4 stars; one submission).

Submission:

GeneDx
Classification: Uncertain significance. Last evaluated: 2026-06-25. Review status: criteria provided, single submitter. Criteria: GeneDx Variant Classification Process June 2021. Collection method: clinical testing. Allele origin: germline.
Comment: Not observed at significant frequency in large population cohorts (gnomAD); In-frame deletion of 1 amino acid(s) in a non-repeat region; In silico analysis supports a deleterious effect on protein structure/function; Has not been previously published as pathogenic or benign to our knowledge